The following is an entry in ClinVar:

NM_024753.5(TTC21B):c.1317T>G (p.Tyr439Ter)

Gene: TTC21B (tetratricopeptide repeat domain 21B; minus strand). Cytogenetic location: 2q24.3.
Variant type: single nucleotide variant.
Coding change: c.1317T>G on transcript NM_024753.5 (MANE Select); coding-DNA position 1317, T replaced by G.
Protein change: p.Tyr439Ter; replaces tyrosine 439 with a stop codon.
Molecular consequence: nonsense.
Genome position (GRCh38, 1-based): chr2:165,929,204, A>C on the plus strand (T>G on the coding strand, the complement: TTC21B is on the minus strand). VCF-style: chr2-165929204-A-C. GRCh37 (hg19) VCF-style: chr2-166785714-A-C.
Other names: short protein forms Y439*.
Identifiers: ClinVar variation 4082537 (VCV004082537.2).

ClinVar aggregate classification (germline): Likely pathogenic (1 of 4 stars; one submission).

Submission:

Genetic Services Laboratory, University of Chicago
Classification: Likely pathogenic. Last evaluated: 2023-07-17. Review status: criteria provided, single submitter. Criteria: ACMG Guidelines, 2015. Collection method: clinical testing. Allele origin: germline. Affected: yes.
Comment: DNA sequence analysis of the TTC21B gene demonstrated a sequence change, c.1317T>G, which results in the creation of a premature stop codon at amino acid position439, p.Tyr439*. This sequence change is predicted to result in an abnormal transcript, which may be degraded, or may lead to the production of a truncated TTC21B protein with potentially abnormal function. This sequence change has not been described in population databases such as ExAC and gnomAD. This sequence change has not been described in individuals with TTC21B-related disorders however, other loss-of-function variants in TTC21B have been reported as is association with disease. Based on these collective evidences, this sequence change is classified as likely pathogenic.